The following is an entry in ClinVar:

NM_003384.3(VRK1):c.564_568delinsA (p.Asn189fs)

Gene: VRK1 (VRK serine/threonine kinase 1; plus strand). Cytogenetic location: 14q32.2.
Variant type: Indel.
Coding change: c.564_568delinsA on transcript NM_003384.3 (MANE Select); coding-DNA positions 564 to 568, GAATC replaced by A.
Protein change: p.Asn189fs; shifts the reading frame from asparagine 189.
Molecular consequence: frameshift variant.
Genome position (GRCh38, 1-based): chr14:96,853,154-96,853,158, GAATC replaced by A. VCF-style: chr14-96853154-GAATC-A. GRCh37 (hg19) VCF-style: chr14-97319491-GAATC-A.
Other names: c.564_568delinsA, p.Asn189fs (NM_001411051.1, NM_001411053.1); short protein forms N189fs.
Identifiers: ClinVar variation 5014414 (VCV005014414.1).

ClinVar aggregate classification (germline): Pathogenic (1 of 4 stars; one submission).

Conditions:
Pontocerebellar hypoplasia type 1A (PCH1A). Also called: PONTOCEREBELLAR HYPOPLASIA WITH ANTERIOR HORN CELL DISEASE; PONTOCEREBELLAR HYPOPLASIA WITH INFANTILE SPINAL MUSCULAR ATROPHY. Identifiers: Orphanet 2254, Orphanet 88616, MedGen C1843504, MONDO:0011866, OMIM 607596.

Submission:

Myriad Genetics, Inc.
Classification: Pathogenic for Pontocerebellar hypoplasia type 1A. Last evaluated: 2025-05-10. Review status: criteria provided, single submitter. Criteria: Myriad Autosomal Dominant, Autosomal Recessive and X-Linked Classification Criteria (2023). Collection method: clinical testing. Allele origin: unknown.
Comment: NM_003384.2(VRK1):c.564_568del5ins1(N189Lfs*7) is expected to be pathogenic in the context of pontocerebellar hypoplasia, VRK1-related. This variant is predicted to lead to an abnormal or absent protein product due to the creation of a premature termination codon in VRK1, a gene where loss-of-function variants are known to be pathogenic. Please note: this variant was assessed in the context of healthy population screening.